The following is an entry in ClinVar:

NM_001145809.2(MYH14):c.4625G>A (p.Arg1542Gln)

Gene: MYH14 (myosin heavy chain 14; plus strand). Cytogenetic location: 19q13.33.
Variant type: single nucleotide variant.
Coding change: c.4625G>A on transcript NM_001145809.2 (MANE Select); coding-DNA position 4625, G replaced by A.
Protein change: p.Arg1542Gln; replaces arginine 1542 with glutamine.
Molecular consequence: missense variant.
Genome position (GRCh38, 1-based): chr19:50,286,567, G>A. VCF-style: chr19-50286567-G-A. GRCh37 (hg19) VCF-style: chr19-50789824-G-A.
Other names: c.4526G>A, p.Arg1509Gln (NM_001077186.2); c.4502G>A, p.Arg1501Gln (NM_024729.4); short protein forms R1501Q, R1509Q, R1542Q.
Identifiers: ClinVar variation 2634629 (VCV002634629.4), dbSNP rs767084290, ClinGen allele CA9593562.

ClinVar aggregate classification (germline): Conflicting classifications of pathogenicity. Review status: criteria provided, conflicting classifications (1 of 4 stars). 3 submissions from 3 submitters: Uncertain significance (1); Likely benign (2). Last evaluated 2026-06-01.

Conditions:
MYH14-related disorder. Also called: MYH14-related condition.

Allele frequency attached by ClinVar (database versions not stated): ExAC 0.00003; TOPMed 0.00003; gnomAD 0.00005.
gnomAD v4.1: 90 of 1,610,680 alleles (0.0056%); highest among the groups gnomAD compares: Non-Finnish European, 0.0068%; no homozygotes.

Submissions (3):

PreventionGenetics, part of Exact Sciences
Classification: Uncertain significance for MYH14-related condition. Last evaluated: 2026-06-01. Review status: criteria provided, single submitter. Criteria: ACMG Guidelines, 2015. Collection method: clinical testing. Allele origin: germline.
Comment: The MYH14 c.4625G>A variant is predicted to result in the amino acid substitution p.Arg1542Gln. To our knowledge, this variant has not been reported in the literature. This variant is reported in 0.0065% of alleles in individuals of European (Non-Finnish) descent in gnomAD. At this time, the clinical significance of this variant is uncertain due to the absence of conclusive functional and genetic evidence.

Women's Health and Genetics/Laboratory Corporation of America, LabCorp
Classification: Likely benign. Last evaluated: 2025-02-24. Review status: criteria provided, single submitter. Criteria: LabCorp Variant Classification Summary - May 2015. Collection method: clinical testing. Allele origin: germline.
Comment: Variant summary: MYH14 c.4502G>A (p.Arg1501Gln) results in a conservative amino acid change in the encoded protein sequence. Three of five in-silico tools predict a benign effect of the variant on protein function. The variant allele was found at a frequency of 5.6e-05 in 1610680 control chromosomes. The observed variant frequency is approximately 90 fold of the estimated maximal expected allele frequency for a pathogenic variant in MYH14 causing Autosomal dominant nonsyndromic hearing loss 4A phenotype (6.3e-07). To our knowledge, no occurrence of c.4502G>A in individuals affected with Autosomal dominant nonsyndromic hearing loss 4A and no experimental evidence demonstrating its impact on protein function have been reported. ClinVar contains an entry for this variant (Variation ID: 2634629). Based on the evidence outlined above, the variant was classified as likely benign.

Blueprint Genetics
Classification: Likely benign. Last evaluated: 2022-06-27. Review status: criteria provided, single submitter. Criteria: ACMG Guidelines, 2015. Collection method: clinical testing. Allele origin: germline.